The following is an entry in ClinVar:

NM_020435.4(GJC2):c.407C>G (p.Pro136Arg)

Gene: GJC2 (gap junction protein gamma 2; plus strand). Cytogenetic location: 1q42.13.
Variant type: single nucleotide variant.
Coding change: c.407C>G on transcript NM_020435.4 (MANE Select); coding-DNA position 407, C replaced by G.
Protein change: p.Pro136Arg; replaces proline 136 with arginine.
Molecular consequence: missense variant.
Genome position (GRCh38, 1-based): chr1:228,158,165, C>G. VCF-style: chr1-228158165-C-G. GRCh37 (hg19) VCF-style: chr1-228345866-C-G.
Other names: short protein forms P136R.
Identifiers: ClinVar variation 2194967 (VCV002194967.6), dbSNP rs1342309754, ClinGen allele CA345097742.

ClinVar aggregate classification (germline): Uncertain significance. Review status: criteria provided, multiple submitters, no conflicts (2 of 4 stars). 2 submissions from 2 submitters: Uncertain significance (2). Last evaluated 2026-01-27.

Conditions:
Spastic paraplegia. Identifiers: MedGen C0037772, HP:0001258.

Allele frequency attached by ClinVar (database versions not stated): TOPMed below 0.00001; gnomAD exomes below 0.00001.
gnomAD v4.1: 1 of 1,389,324 alleles (0.000072%); highest among the groups gnomAD compares: Admixed American, 0.0032%; no homozygotes.

Submissions (2):

Labcorp Genetics (formerly Invitae), Labcorp
Classification: Uncertain significance for Spastic paraplegia. Last evaluated: 2026-01-27. Review status: criteria provided, single submitter. Criteria: Invitae Variant Classification Sherloc (09022015). Collection method: clinical testing. Allele origin: germline.
Comment: This sequence change replaces proline, which is neutral and non-polar, with arginine, which is basic and polar, at codon 136 of the GJC2 protein (p.Pro136Arg). This variant is not present in population databases (gnomAD no frequency). This variant has not been reported in the literature in individuals affected with GJC2-related conditions. ClinVar contains an entry for this variant (Variation ID: 2194967). Invitae Evidence Modeling of protein sequence and biophysical properties (such as structural, functional, and spatial information, amino acid conservation, physicochemical variation, residue mobility, and thermodynamic stability) indicates that this missense variant is not expected to disrupt GJC2 protein function with a negative predictive value of 95%. In summary, the available evidence is currently insufficient to determine the role of this variant in disease. Therefore, it has been classified as a Variant of Uncertain Significance.

Dasa
Classification: Uncertain significance. Last evaluated: 2025-08-05. Review status: criteria provided, single submitter. Criteria: DASA Assertion Criteria. Collection method: clinical testing. Allele origin: germline.
Comment: NM_020435.4(GJC2):c.407C>G (p.Pro136Arg) is a missense variant that results in the substitution of proline with arginine. This variant is rare in population databases. The currently available literature and clinical evidence are not sufficient to establish a definitive association between this variant and the reported condition. Therefore, this variant is classified as a variant of uncertain significance.